The following is an entry in ClinVar:

NM_000203.5(IDUA):c.501C>A (p.Tyr167Ter)

Gene: IDUA (alpha-L-iduronidase; plus strand). Cytogenetic location: 4p16.3.
Variant type: single nucleotide variant.
Coding change: c.501C>A on transcript NM_000203.5 (MANE Select); coding-DNA position 501, C replaced by A.
Protein change: p.Tyr167Ter; replaces tyrosine 167 with a stop codon.
Molecular consequence: nonsense. On other transcripts: non-coding transcript variant (1).
Genome position (GRCh38, 1-based): chr4:1,001,475, C>A. VCF-style: chr4-1001475-C-A. GRCh37 (hg19) VCF-style: chr4-995263-C-A.
Other names: NM_001363576.1:c.105C>A; c.105C>A, p.Tyr35Ter (NM_001363576.1); short protein forms Y167*, Y35*.
Identifiers: ClinVar variation 3906901 (VCV003906901.1).
Genomic context (GRCh38, chr4:1,001,475, plus strand): 5'-GTCACTGAGGCGAGATTCACCTGTGCTGGGGGGACAGCAAGGCTCCTCTGCAGGTAGGTA[C>A]GGACTGGCGCATGTTTCCAAGTGGAACTTCGAGACGTGGAATGAGCCAGACCACCACGAC-3'

ClinVar aggregate classification (germline): Pathogenic (3 of 4 stars; one submission).

Conditions:
Mucopolysaccharidosis type 1. Also called: IDUA deficiency; MPS I. Identifiers: Orphanet 579, MedGen C0023786, MONDO:0001586.

gnomAD v4.1: 1 of 1,612,822 alleles (0.000062%); highest among the groups gnomAD compares: Non-Finnish European, 0.000085%; no homozygotes.

Submission:

ClinGen Lysosomal Storage Disorder Variant Curation Expert Panel
Classification: Pathogenic for Mucopolysaccharidosis type 1. Last evaluated: 2025-04-07. Review status: reviewed by expert panel. Criteria: ClinGen LSD ACMG Specifications IDUA V1.0.0. Collection method: curation. Allele origin: germline. Inheritance: Autosomal recessive inheritance.
Comment: The NM_000203.5:c.501C>A (p.Tyr167Ter) variant in IDUA is a nonsense variant predicted to cause a premature stop codon in biologically-relevant-exon 5 out of 14, leading to nonsense mediated decay in a gene in which loss-of-function is an established disease mechanism (PVS1). Two patients with the variant have been reported to have clinical features consistent with MPS and both with IDUA deficiency, and one is reported to have elevated urinary dermatan sulfate and heparan sulfate although no values to reference range were provided (PMID: 11735025, 19396826) (PP4). One of these individuals is compound heterozygous for the variant and another variant in IDUA that has been classified as pathogenic by the ClinGen LD VCEP, c.208C>T (p.Gln70Ter) (ClinVar Variation ID: 11909), phase not confirmed (PMID: 19396826, 0.5 points). The other patient is compound heterozygous for the variant and c.614G>A (p.Cys205Tyr) (PMID: 11735025). The allelic data from this patient will be used in the assessment of p.Cys205Tyr and is not included here to avoid circular logic. Total 0.5 points (PM3_Supporting). The highest population minor allele frequency in gnomAD v4.1.0 is 8.476e-7 (1/1179740 alleles) in the European non-Finnish population, which is lower than the ClinGen Lysosomal Diseases VCEP’s threshold for PM2_Supporting (<0.00025), meeting this criterion (PM2_Supporting). In summary, this variant meets the criteria to be classified as pathogenic for mucopolysaccharidosis type I. IDIA-specific ACMG/AMP criteria applied, as specified by the ClinGen Lysosomal Diseases Variant Curation Expert Panel (Specifications Version 1.0.0): PVS1, PP4, PM2_Supporting, PM3_Supporting. (Classification approved by the ClinGen Lysosomal Diseases Variant Curation Expert Panel on April 7, 2025).